The following is an entry in ClinVar:

ClinVar aggregate classification (germline): Uncertain significance (1 of 4 stars; one submission).

Conditions:
Immunodeficiency 39 (IMD39). Identifiers: Orphanet 574918, MedGen C4225358, MONDO:0014597, OMIM 616345.

Submission:

Labcorp Genetics (formerly Invitae), Labcorp
Classification: Uncertain significance for Immunodeficiency 39. Last evaluated: 2022-02-28. Review status: criteria provided, single submitter. Criteria: Invitae Variant Classification Sherloc (09022015). Collection method: clinical testing. Allele origin: germline.
Comment: In summary, the available evidence is currently insufficient to determine the role of this variant in disease. Therefore, it has been classified as a Variant of Uncertain Significance. This sequence change replaces arginine, which is basic and polar, with proline, which is neutral and non-polar, at codon 435 of the IRF7 protein (p.Arg435Pro). This variant is not present in population databases (gnomAD no frequency). This variant has not been reported in the literature in individuals affected with IRF7-related conditions. Algorithms developed to predict the effect of missense changes on protein structure and function are either unavailable or do not agree on the potential impact of this missense change (SIFT: "Tolerated"; PolyPhen-2: "Possibly Damaging"; Align-GVGD: "Class C0").

NM_001572.5(IRF7):c.1265G>C (p.Arg422Pro)

Gene: IRF7 (interferon regulatory factor 7; minus strand). Cytogenetic location: 11p15.5.
Variant type: single nucleotide variant.
Coding change: c.1265G>C on transcript NM_001572.5 (MANE Select); coding-DNA position 1265, G replaced by C.
Protein change: p.Arg422Pro; replaces arginine 422 with proline.
Molecular consequence: missense variant.
Genome position (GRCh38, 1-based): chr11:613,090, C>G on the plus strand (G>C on the coding strand, the complement: IRF7 is on the minus strand). VCF-style: chr11-613090-C-G. GRCh37 (hg19) VCF-style: chr11-613090-C-G.
Other names: c.1178G>C, p.Arg393Pro (NM_004029.4); c.1304G>C, p.Arg435Pro (NM_004031.4); short protein forms R422P, R435P, R393P.
Identifiers: ClinVar variation 1946119 (VCV001946119.5), dbSNP rs1388334813, ClinGen allele CA378977170.
Genomic context (GRCh38, chr11:613,090, plus strand): 5'-CTCCCAGCTGACAGGTCCTGCCCGAAGCCCAGGTAGATGGTATAGCGTGGGGAGCCACGG[C>G]GCTGCCGTGCCCGGAATTCCACCAGCTCTGAAGAAGGGGACTCTGCTGAGTACCTGGCAG-3'
Protein context (NP_001563.2, residues 412-432): QELVEFRARQ[Arg422Pro]RGSPRYTIYL